The following is an entry in ClinVar:

ClinVar aggregate classification (germline): Uncertain significance (1 of 4 stars; one submission).

Submission:

Ambry Genetics
Classification: Uncertain significance. Last evaluated: 2024-10-08. Review status: criteria provided, single submitter. Criteria: Ambry Variant Classification Scheme 2023. Collection method: clinical testing. Allele origin: germline.
Comment: The p.A140S variant (also known as c.418G>T), located in coding exon 1 of the EGLN1 gene, results from a G to T substitution at nucleotide position 418. The alanine at codon 140 is replaced by serine, an amino acid with similar properties. This amino acid position is conserved. In addition, this alteration is predicted to be tolerated by in silico analysis. Based on the available evidence, the clinical significance of this variant remains unclear.

NM_022051.3(EGLN1):c.418G>T (p.Ala140Ser)

Gene: EGLN1 (egl-9 family hypoxia inducible factor 1; minus strand). Cytogenetic location: 1q42.2.
Variant type: single nucleotide variant.
Coding change: c.418G>T on transcript NM_022051.3 (MANE Select); coding-DNA position 418, G replaced by T.
Protein change: p.Ala140Ser; replaces alanine 140 with serine.
Molecular consequence: missense variant.
Genome position (GRCh38, 1-based): chr1:231,421,471, C>A on the plus strand (G>T on the coding strand, the complement: EGLN1 is on the minus strand). VCF-style: chr1-231421471-C-A. GRCh37 (hg19) VCF-style: chr1-231557217-C-A.
Other names: c.418G>T, p.Ala140Ser (NM_001377260.1, NM_001377261.1); short protein forms A140S.
Identifiers: ClinVar variation 3507231 (VCV003507231.1).